The following is an entry in ClinVar:

ClinVar aggregate classification (germline): Benign/Likely benign. Review status: criteria provided, multiple submitters, no conflicts (2 of 4 stars). 10 submissions from 8 submitters: Benign (8); Likely benign (1). 1 of the submissions does not count toward it. Last evaluated 2026-01-21.

Conditions:
Hereditary spherocytosis type 4. Also called: SLC4A1-Related Spherocytosis. Identifiers: Orphanet 822, MedGen C2675212, MONDO:0012981, OMIM 612653.
DIEGO BLOOD GROUP ANTIGEN.
Autosomal dominant distal renal tubular acidosis (DRTA1). Also called: RENAL TUBULAR ACIDOSIS, DISTAL, 1; RTA, CLASSIC TYPE; RTA, DISTAL TYPE, AUTOSOMAL DOMINANT; RTA, GRADIENT TYPE; Renal Tubular Acidosis, Type I. Identifiers: Orphanet 93608, MedGen CN280572, MONDO:0008368, OMIM 179800.
Hemolytic anemia. Identifiers: MedGen C0002878, MONDO:0003664, HP:0001878.

Allele frequency attached by ClinVar (database versions not stated): gnomAD 0.00284 and 0.00350; TOPMed 0.00605; 1000 Genomes Project 0.01298; 1000 Genomes Project 30x 0.01343.
gnomAD v4.1: 4,490 of 1,614,206 alleles (0.28%); highest among the groups gnomAD compares: East Asian, 3.9%; 80 homozygotes.

Submissions (10):

Labcorp Genetics (formerly Invitae), Labcorp
Classification: Benign. Last evaluated: 2026-01-21. Review status: criteria provided, single submitter. Criteria: Invitae Variant Classification Sherloc (09022015). Collection method: clinical testing. Allele origin: germline.

ARUP Laboratories, Molecular Genetics and Genomics, ARUP Laboratories
Classification: Benign. Last evaluated: 2025-07-31. Review status: criteria provided, single submitter. Criteria: ARUP Molecular Germline Variant Investigation Process 2024. Collection method: clinical testing. Allele origin: germline.

GeneDx
Classification: Benign. Last evaluated: 2020-02-13. Review status: criteria provided, single submitter. Criteria: GeneDx Variant Classification Process June 2021. Collection method: clinical testing. Allele origin: germline. Affected: yes.
Comment: This variant is associated with the following publications: (PMID: 20825599, 21637597, 17137217, 24724911, 8206915, 19727826)

Mendelics
Classification: Benign for Hereditary spherocytosis type 4. Last evaluated: 2019-05-28. Review status: criteria provided, single submitter. Criteria: Mendelics Assertion Criteria 2017. Collection method: clinical testing. Allele origin: unknown.

Illumina Laboratory Services, Illumina
Classification: Benign for Hemolytic anemia. Last evaluated: 2018-03-06. Review status: criteria provided, single submitter. Criteria: ICSL Variant Classification Criteria 13 December 2019. Collection method: clinical testing. Allele origin: germline.
Comment: This variant was observed in the ICSL laboratory as part of a predisposition screen in an ostensibly healthy population. It had not been previously curated by ICSL or reported in the Human Gene Mutation Database (HGMD: prior to June 1st, 2018), and was therefore a candidate for classification through an automated scoring system. Utilizing variant allele frequency, disease prevalence and penetrance estimates, and inheritance mode, an automated score was calculated to assess if this variant is too frequent to cause the disease. Based on the score and internal cut-off values, a variant classified as benign is not then subjected to further curation. The score for this variant resulted in a classification of benign for this disease.

Illumina Laboratory Services, Illumina
Classification: Benign for Autosomal dominant distal renal tubular acidosis. Last evaluated: 2018-03-06. Review status: criteria provided, single submitter. Criteria: ICSL Variant Classification Criteria 13 December 2019. Collection method: clinical testing. Allele origin: germline.
Comment: the same text as in the submission from Illumina Laboratory Services, Illumina above.

Illumina Laboratory Services, Illumina
Classification: Benign for Hereditary spherocytosis type 4. Last evaluated: 2018-03-06. Review status: criteria provided, single submitter. Criteria: ICSL Variant Classification Criteria 13 December 2019. Collection method: clinical testing. Allele origin: germline.
Comment: the same text as in the submission from Illumina Laboratory Services, Illumina above.

Breakthrough Genomics
Classification: Likely benign. Review status: criteria provided, single submitter. Criteria: ACMG Guidelines, 2015. Collection method: not provided. Allele origin: germline. Inheritance: Autosomal recessive inheritance. Affected: yes.

PreventionGenetics, part of Exact Sciences
Classification: Benign. Review status: criteria provided, single submitter. Criteria: ACMG Guidelines, 2015. Collection method: clinical testing. Allele origin: germline.

OMIM
Classification: Pathogenic for DIEGO BLOOD GROUP ANTIGEN. Last evaluated: 1994-06-10. Review status: no assertion criteria provided. Collection method: literature only. Allele origin: germline. Not counted in ClinVar's aggregate classification.

Literature cited by the submitters: PubMed 8206915 (cited by OMIM).

NM_000342.4(SLC4A1):c.2561C>T (p.Pro854Leu)

Gene: SLC4A1 (solute carrier family 4 member 1 (Diego blood group); minus strand). Cytogenetic location: 17q21.31.
Variant type: single nucleotide variant.
Coding change: c.2561C>T on transcript NM_000342.4 (MANE Select); coding-DNA position 2561, C replaced by T.
Protein change: p.Pro854Leu; replaces proline 854 with leucine.
Molecular consequence: missense variant.
Genome position (GRCh38, 1-based): chr17:44,251,253, G>A on the plus strand (C>T on the coding strand, the complement: SLC4A1 is on the minus strand). VCF-style: chr17-44251253-G-A. GRCh37 (hg19) VCF-style: chr17-42328621-G-A.
Other names: short protein forms P854L.
Identifiers: ClinVar variation 17768 (VCV000017768.27), dbSNP rs2285644, ClinGen allele CA127392.